The following is an entry in ClinVar:

ClinVar aggregate classification (germline): Uncertain significance (1 of 4 stars; one submission).

Conditions:
Inborn genetic diseases. Identifiers: MedGen C0950123, MeSH D030342.

Submission:

Ambry Genetics
Classification: Uncertain significance for Inborn genetic diseases. Last evaluated: 2026-07-13. Review status: criteria provided, single submitter. Criteria: Ambry Variant Classification Scheme 2023. Collection method: clinical testing. Allele origin: germline.
Comment: The p.R606I variant (also known as c.1817G>T), located in coding exon 11 of the FANCM gene, results from a G to T substitution at nucleotide position 1817. The arginine at codon 606 is replaced by isoleucine, an amino acid with similar properties. This amino acid position is conserved. In addition, this alteration is predicted to be tolerated by in silico analysis. Based on the available evidence, the clinical significance of this variant remains unclear.

NM_020937.4(FANCM):c.1817G>T (p.Arg606Ile)

Gene: FANCM (FA complementation group M; plus strand). Cytogenetic location: 14q21.2.
Variant type: single nucleotide variant.
Coding change: c.1817G>T on transcript NM_020937.4 (MANE Select); coding-DNA position 1817, G replaced by T.
Protein change: p.Arg606Ile; replaces arginine 606 with isoleucine.
Molecular consequence: missense variant.
Genome position (GRCh38, 1-based): chr14:45,166,978, G>T. VCF-style: chr14-45166978-G-T. GRCh37 (hg19) VCF-style: chr14-45636181-G-T.
Other names: c.1739G>T, p.Arg580Ile (NM_001308133.2); c.1817G>T, p.Arg606Ile (NM_001308134.2); short protein forms R606I, R580I.
Identifiers: ClinVar variation 5036615 (VCV005036615.1).